The following is an entry in ClinVar:

NM_020982.4(CLDN9):c.552G>A (p.Thr184=)

Gene: CLDN9 (claudin 9; plus strand). Cytogenetic location: 16p13.3.
Variant type: single nucleotide variant.
Coding change: c.552G>A on transcript NM_020982.4 (MANE Select); coding-DNA position 552, G replaced by A.
Protein change: p.Thr184=; no amino-acid change (threonine 184 retained).
Molecular consequence: synonymous variant.
Genome position (GRCh38, 1-based): chr16:3,013,914, G>A. VCF-style: chr16-3013914-G-A. GRCh37 (hg19) VCF-style: chr16-3063915-G-A.
Other names: c.552G>A (NM_020982.3).
Identifiers: ClinVar variation 2646096 (VCV002646096.26), dbSNP rs200866651, ClinGen allele CA7854115.

ClinVar aggregate classification (germline): Likely benign. Review status: criteria provided, multiple submitters, no conflicts (2 of 4 stars). 3 submissions from 3 submitters: Likely benign (2). 1 of the submissions does not count toward it. Last evaluated 2025-07-01.

Conditions:
CLDN9-related disorder. Also called: CLDN9-related condition.

Allele frequency attached by ClinVar (database versions not stated): 1000 Genomes Project 30x 0.00094; ESP Exome Variant Server 0.00094; gnomAD 0.00096; ExAC 0.00107; TOPMed 0.00112; 1000 Genomes Project 0.00140.

Submissions (3):

CeGaT Center for Human Genetics Tuebingen
Classification: Likely benign. Last evaluated: 2025-07-01. Review status: criteria provided, single submitter. Criteria: CeGaT Center For Human Genetics Tuebingen Variant Classification Criteria Version 2. Collection method: clinical testing. Allele origin: germline. Affected: yes. Observed: 3 variant alleles.
Comment: CLDN9: BP4, BP7

Blueprint Genetics
Classification: Likely benign. Last evaluated: 2024-11-27. Review status: criteria provided, single submitter. Criteria: ACMG Guidelines, 2015. Collection method: clinical testing. Allele origin: germline.

PreventionGenetics, part of Exact Sciences
Classification: Likely benign for CLDN9-related condition. Last evaluated: 2021-05-20. Review status: no assertion criteria provided. Collection method: clinical testing. Allele origin: germline. Not counted in ClinVar's aggregate classification.
Comment: This variant is classified as likely benign based on ACMG/AMP sequence variant interpretation guidelines (Richards et al. 2015 PMID: 25741868, with internal and published modifications).